The following is an entry in ClinVar:

ClinVar aggregate classification (germline): Uncertain significance (1 of 4 stars; one submission).

gnomAD v4.1: 3 of 1,578,880 alleles (0.00019%); highest among the groups gnomAD compares: Non-Finnish European, 0.00026%; no homozygotes.

Submission:

GeneDx
Classification: Uncertain significance. Last evaluated: 2026-02-10. Review status: criteria provided, single submitter. Criteria: GeneDx Variant Classification Process June 2021. Collection method: clinical testing. Allele origin: germline.
Comment: Not observed at significant frequency in large population cohorts (gnomAD); In silico analysis supports that this missense variant has a deleterious effect on protein structure/function; Has not been previously published as pathogenic or benign to our knowledge

NM_057175.5(NAA15):c.5C>T (p.Pro2Leu)

Genes: NAA15 (N-alpha-acetyltransferase 15, NatA auxiliary subunit; plus strand), NDUFC1 (NADH:ubiquinone oxidoreductase subunit C1; minus strand). Cytogenetic location: 4q31.1.
Variant type: single nucleotide variant.
Coding change: c.5C>T on transcript NM_057175.5 (MANE Select); coding-DNA position 5, C replaced by T.
Protein change: p.Pro2Leu; replaces proline 2 with leucine.
Molecular consequence: missense variant. On other transcripts: intron variant (4).
Genome position (GRCh38, 1-based): chr4:139,301,782, C>T. VCF-style: chr4-139301782-C-T. GRCh37 (hg19) VCF-style: chr4-140222936-C-T.
Other names: c.5C>T, p.Pro2Leu (NM_001410842.1); c.-159+634G>A (NM_001184990.1); c.-163+634G>A (NM_001184987.1); c.-199+634G>A (NM_001184988.1); c.-222+634G>A (NM_001184989.2); short protein forms P2L.
Identifiers: ClinVar variation 4976543 (VCV004976543.1).
Genomic context (GRCh38, chr4:139,301,782, plus strand): 5'-GACAAACTGACTGACCGAGCCGGGTGGTGGCGGGAGCAGCGGGAGCAGCCGGAACGATGC[C>T]GGCCGTGAGCCTCCCGCCCAAGGAGAATGCGCTCTTCAAGCGGATCTTGGTAAGTGTGAG-3'
Protein context (NP_476516.1, residues 1-12): M[Pro2Leu]AVSLPPKENA